The following continues an entry in ClinVar:

NM_006009.4(TUBA1A):c.518C>T (p.Pro173Leu)

Gene: TUBA1A. ClinVar aggregate classification (germline): Conflicting classifications of pathogenicity. Pathogenic (10); Likely pathogenic (2); Uncertain significance (1).

Submissions 12 to 15 of 15:

Neuberg Centre For Genomic Medicine, NCGM
Classification: Likely pathogenic for Lissencephaly due to TUBA1A mutation. Review status: criteria provided, single submitter. Criteria: ACMG Guidelines, 2015. Collection method: clinical testing. Allele origin: germline. Affected: yes.
Comment: The missense variant p.P173L in TUBA1A (NM_006009.4) has been previously reported in an individual affected with TUBA1A-associated tubulinopathy (Hebebrand et al, 2019). The p.P173L variant is novel (not in any individuals) in gnomAD Exomes and is novel (not in any individuals) in 1000 Genomes. There is a moderate physicochemical difference between proline and leucine. The p.P173L missense variant is predicted to be damaging by both SIFT and PolyPhen2. The proline residue at codon 173 of TUBA1A is conserved in all mammalian species. The nucleotide c.518 in TUBA1A is predicted conserved by GERP++ and PhyloP across 100 vertebrates. For these reasons, this variant has been classified as Likely Pathogenic.

Solve-RD Consortium
Classification: Pathogenic for Lissencephaly due to TUBA1A mutation. Review status: criteria provided, single submitter. Criteria: ACMG Guidelines, 2015. Collection method: provider interpretation. Allele origin: germline. Inheritance: Autosomal dominant inheritance. Affected: yes. Study: Solve-RD DIFT-EpiCARE reanalysis.
Comment: PS2, PM1, PM2, PP3

Variant identified during reanalysis of unsolved cases by the Solve-RD project. The Solve-RD project has received funding from the European Union’s Horizon 2020 research and innovation programme under grant agreement No 779257.

Diagnostic Laboratory, Department of Genetics, University Medical Center Groningen
Classification: Likely pathogenic. Review status: no assertion criteria provided. Collection method: clinical testing. Allele origin: germline. Affected: yes. Study: VKGL Data-share Consensus. Not counted in ClinVar's aggregate classification.

Laboratory of Diagnostic Genome Analysis, Leiden University Medical Center (LUMC)
Classification: Likely pathogenic. Review status: no assertion criteria provided. Collection method: clinical testing. Allele origin: germline. Affected: yes. Study: VKGL Data-share Consensus. Not counted in ClinVar's aggregate classification.

Literature cited by the submitters: PubMed 24860126 (cited by 3 submitters); PubMed 30744660 (cited by 5 submitters); PubMed 34946966 (cited by Ambry Genetics and Variantyx, Inc.); PubMed 35017693 (cited by Ambry Genetics); PubMed 28714951 (cited by Variantyx, Inc.); PubMed 22495306 (cited by Variantyx, Inc. and Center for Pediatrics and Adolescent Medicine, University Hospital Heidelberg); PubMed 20466733 (cited by Victorian Clinical Genetics Services, Murdoch Childrens Research Institute); PubMed 30517687 (cited by Victorian Clinical Genetics Services, Murdoch Childrens Research Institute); PubMed 33649541 (cited by Victorian Clinical Genetics Services, Murdoch Childrens Research Institute); PubMed 25363768 (cited by Center for Pediatrics and Adolescent Medicine, University Hospital Heidelberg); PubMed 28407358 (cited by Center for Pediatrics and Adolescent Medicine, University Hospital Heidelberg); DOI 10.1101/427948 (cited by Institute of Human Genetics, FAU Erlangen, Friedrich-Alexander-Universität Erlangen-Nürnberg).